The following is an entry in ClinVar:

ClinVar aggregate classification (germline): Uncertain significance (1 of 4 stars; one submission).

Allele frequency attached by ClinVar (database versions not stated): ExAC 0.00002; gnomAD exomes 0.00005; TOPMed 0.00006; gnomAD 0.00007.
gnomAD v4.1: 88 of 1,611,224 alleles (0.0055%); highest among the groups gnomAD compares: African/African-American, 0.0094%; no homozygotes.

Submission:

Labcorp Genetics (formerly Invitae), Labcorp
Classification: Uncertain significance. Last evaluated: 2024-01-22. Review status: criteria provided, single submitter. Criteria: Invitae Variant Classification Sherloc (09022015). Collection method: clinical testing. Allele origin: germline.
Comment: This sequence change affects codon 2785 of the PKD1L1 mRNA. It is a 'silent' change, meaning that it does not change the encoded amino acid sequence of the PKD1L1 protein. It affects a nucleotide within the consensus splice site. This variant is present in population databases (rs751054839, gnomAD 0.007%). This variant has not been reported in the literature in individuals affected with PKD1L1-related conditions. Algorithms developed to predict the effect of sequence changes on RNA splicing suggest that this variant is not likely to affect RNA splicing. In summary, the available evidence is currently insufficient to determine the role of this variant in disease. Therefore, it has been classified as a Variant of Uncertain Significance.

NM_138295.5(PKD1L1):c.8355C>T (p.His2785=)

Genes: PKD1L1 (polycystin 1 like 1, transient receptor potential channel interacting; minus strand), PKD1L1-AS1 (PKD1L1 antisense RNA 1; plus strand). Cytogenetic location: 7p12.3.
Variant type: single nucleotide variant.
Coding change: c.8355C>T on transcript NM_138295.5 (MANE Select); coding-DNA position 8355, C replaced by T.
Protein change: p.His2785=; no amino-acid change (histidine 2785 retained).
Molecular consequence: synonymous variant.
Genome position (GRCh38, 1-based): chr7:47,795,989, G>A on the plus strand (C>T on the coding strand, the complement: PKD1L1 is on the minus strand). VCF-style: chr7-47795989-G-A. GRCh37 (hg19) VCF-style: chr7-47835587-G-A.
Identifiers: ClinVar variation 2894696 (VCV002894696.3), dbSNP rs751054839, ClinGen allele CA4251765.